The following is an entry in ClinVar:

ClinVar aggregate classification (germline): Pathogenic (1 of 4 stars; one submission).

Conditions:
Glucocorticoid deficiency with achalasia (AAAS). Also called: ALACRIMA-ACHALASIA-ADRENAL INSUFFICIENCY NEUROLOGIC DISORDER; AAA syndrome; Allgrove syndrome; Addisonian achalasia syndrome; Achalasia-addisonianism-alacrimia syndrome; Achalasia-Addisonianism-Alacrima (Triple-A) Syndrome. Identifiers: Orphanet 869, MedGen C0271742, MONDO:0009279, OMIM 231550.

Submission:

Genetics Research Center, University of Social Welfare and Rehabilitation Sciences
Classification: Pathogenic for Glucocorticoid deficiency with achalasia. Last evaluated: 2026-07-28. Review status: criteria provided, single submitter. Criteria: ACMG Guidelines, 2015. Collection method: clinical testing. Allele origin: germline. Inheritance: Autosomal recessive inheritance. Affected: yes.
Comment: The variant causes a frameshift change involving highly conserved nucleotide (PhyloP100: 8.28). The variant allele is very rare with a cumulative frequency of 0.000000684 in the gnomAD database with no homozygotes observed. The variant is predicted to lead to nonsense-mediated mRNA decay (NMD). The variant segregated with the disease within the family. Overall, the variant meets PVS1, PM2, and PP1 ACMG criteria.

NM_015665.6(AAAS):c.470_471del (p.Phe157fs)

Gene: AAAS (aladin WD repeat nucleoporin; minus strand). Cytogenetic location: 12q13.13.
Variant type: Deletion.
Coding change: c.470_471del on transcript NM_015665.6 (MANE Select); coding-DNA positions 470 to 471, 2 bases deleted (TT; older notation c.470_471delTT).
Protein change: p.Phe157fs; shifts the reading frame from phenylalanine 157.
Molecular consequence: frameshift variant. On other transcripts: intron variant (1).
Genome position (GRCh38, 1-based): chr12:53,314,825-53,314,826, AA deleted on the plus strand (TT on the coding strand, the reverse complement: AAAS is on the minus strand); deleting any 2 consecutive bases within chr12:53,314,825-53,314,827 gives the same sequence; the c. name uses the placement nearest the transcript's 3' end. VCF-style (leftmost placement, unchanged base first): chr12-53314824-CAA-C. GRCh37 (hg19) VCF-style: chr12-53708608-CAA-C.
Other names: c.446+268_446+269del (NM_001173466.2); short protein forms F157fs.
Identifiers: ClinVar variation 4879881 (VCV004879881.1), dbSNP rs2136811046.
Genomic context (GRCh38, chr12:53,314,824, plus strand): 5'-ACACACGGACTGAGTCATCTAGCAGGGCCACTGCAAACTTGTTGGTGTGGGGGTGCCATG[CAA>C]AGACACGCAAGCAGCAGCTGGACCTAAGGAAGGGGTTAACATGAAGAGTTCCTGCACCTA-3'